The following is an entry in ClinVar:

NM_001330700.2(TOP2B):c.4845AGA[2] (p.Glu1617del)

Gene: TOP2B (DNA topoisomerase II beta; minus strand). Cytogenetic location: 3p24.2.
Variant type: Microsatellite.
Coding change: c.4845AGA[2] on transcript NM_001330700.2 (MANE Select); two copies in a row of the 3-base unit AGA starting at c.4845; the reference has three copies in a row; one copy, 3 bases deleted.
Protein change: p.Glu1617del; deletes glutamic acid 1617.
Molecular consequence: inframe deletion.
Genome position (GRCh38, 1-based): chr3:25,598,335-25,598,337, TCT deleted on the plus strand (AGA on the coding strand, the reverse complement: TOP2B is on the minus strand); deleting any 3 consecutive bases within chr3:25,598,335-25,598,345 gives the same sequence; the position shown is the placement nearest the transcript's 3' end. VCF-style (leftmost placement, unchanged base first): chr3-25598334-ATCT-A. GRCh37 (hg19) VCF-style: chr3-25639825-ATCT-A.
Other names: c.4830AGA[2], p.Glu1612del (NM_001068.3); short protein forms E1612del, E1617del.
Identifiers: ClinVar variation 1409547 (VCV001409547.8), dbSNP rs767895836, ClinGen allele CA2287953.
Genomic context (GRCh38, chr3:25,598,334, plus strand): 5'-ATTTGTTGAAAAATGTTTGTGCTCTTTGGGCACTTAATTAAACATTGCAAAATCAACATC[ATCT>A]TCTTCTTCATCAGACTCTGCAAAATATTTTACTTCTTTCCTAGCCCGACCGGTTCGTGGC-3'

ClinVar aggregate classification (germline): Uncertain significance (1 of 4 stars; one submission).

Submission:

Labcorp Genetics (formerly Invitae), Labcorp
Classification: Uncertain significance. Last evaluated: 2026-01-19. Review status: criteria provided, single submitter. Criteria: Invitae Variant Classification Sherloc (09022015). Collection method: clinical testing. Allele origin: germline.
Comment: This variant, c.4836_4838del, results in the deletion of 1 amino acid(s) of the TOP2B protein (p.Glu1612del), but otherwise preserves the integrity of the reading frame. This variant is present in population databases (rs769246397, gnomAD 0.02%). This variant has not been reported in the literature in individuals affected with TOP2B-related conditions. Experimental studies and prediction algorithms are not available or were not evaluated, and the functional significance of this variant is currently unknown. In summary, the available evidence is currently insufficient to determine the role of this variant in disease. Therefore, it has been classified as a Variant of Uncertain Significance.